The following is an entry in ClinVar:

ClinVar aggregate classification (germline): Uncertain significance (1 of 4 stars; one submission).

Submission:

Ambry Genetics
Classification: Uncertain significance. Last evaluated: 2023-05-19. Review status: criteria provided, single submitter. Criteria: Ambry Variant Classification Scheme 2023. Collection method: clinical testing. Allele origin: germline.
Comment: The p.R183H variant (also known as c.548G>A), located in coding exon 1 of the TERF2IP gene, results from a G to A substitution at nucleotide position 548. The arginine at codon 183 is replaced by histidine, an amino acid with highly similar properties. This amino acid position is conserved. In addition, the in silico prediction for this alteration is inconclusive. Since supporting evidence is limited at this time, the clinical significance of this alteration remains unclear.

NM_018975.4(TERF2IP):c.548G>A (p.Arg183His)

Gene: TERF2IP (TERF2 interacting protein; plus strand). Cytogenetic location: 16q23.1.
Variant type: single nucleotide variant.
Coding change: c.548G>A on transcript NM_018975.4 (MANE Select); coding-DNA position 548, G replaced by A.
Protein change: p.Arg183His; replaces arginine 183 with histidine.
Molecular consequence: missense variant. On other transcripts: non-coding transcript variant (1).
Genome position (GRCh38, 1-based): chr16:75,648,430, G>A. VCF-style: chr16-75648430-G-A. GRCh37 (hg19) VCF-style: chr16-75682328-G-A.
Other names: short protein forms R183H.
Identifiers: ClinVar variation 2563468 (VCV002563468.2), dbSNP rs2507074728, ClinGen allele CA396818143.
Genomic context (GRCh38, chr16:75,648,430, plus strand): 5'-TGTGGAAAGCGATGGAGAAGAGCTCGCTCACGCAGCACTCGTGGCAGTCCCTGAAGGACC[G>A]CTACCTCAAGCACCTGCGGGGCCAGGAGCATAAGTACCTGCTGGGGGACGCGCCGGTGAG-3'
Protein context (NP_061848.2, residues 173-193): TQHSWQSLKD[Arg183His]YLKHLRGQEH